The following is an entry in ClinVar:

NM_000748.3(CHRNB2):c.13T>C (p.Cys5Arg)

Genes: CHRNB2 (cholinergic receptor nicotinic beta 2 subunit; plus strand), LOC129931511 (ATAC-STARR-seq lymphoblastoid silent region 1363; plus strand). Cytogenetic location: 1q21.3.
Variant type: single nucleotide variant.
Coding change: c.13T>C on transcript NM_000748.3 (MANE Select); coding-DNA position 13, T replaced by C.
Protein change: p.Cys5Arg; replaces cysteine 5 with arginine.
Molecular consequence: missense variant.
Genome position (GRCh38, 1-based): chr1:154,568,057, T>C. VCF-style: chr1-154568057-T-C. GRCh37 (hg19) VCF-style: chr1-154540533-T-C.
Other names: short protein forms C5R.
Identifiers: ClinVar variation 1718359 (VCV001718359.6), dbSNP rs1261047629, ClinGen allele CA342629054.

ClinVar aggregate classification (germline): Uncertain significance (1 of 4 stars; one submission).

Conditions:
Familial sleep-related hypermotor epilepsy. Also called: Autosomal Dominant Sleep-Related Hypermotor (Hyperkinetic) Epilepsy. Identifiers: Orphanet 98784, MedGen C3696898, MONDO:0000030.

Submission:

Labcorp Genetics (formerly Invitae), Labcorp
Classification: Uncertain significance. Last evaluated: 2022-08-30. Review status: criteria provided, single submitter. Criteria: Invitae Variant Classification Sherloc (09022015). Collection method: clinical testing. Allele origin: germline.
Comment: In summary, the available evidence is currently insufficient to determine the role of this variant in disease. Therefore, it has been classified as a Variant of Uncertain Significance. Advanced modeling of protein sequence and biophysical properties (such as structural, functional, and spatial information, amino acid conservation, physicochemical variation, residue mobility, and thermodynamic stability) performed at Invitae indicates that this missense variant is not expected to disrupt CHRNB2 protein function. This variant has not been reported in the literature in individuals affected with CHRNB2-related conditions. This variant is not present in population databases (gnomAD no frequency). This sequence change replaces cysteine, which is neutral and slightly polar, with arginine, which is basic and polar, at codon 5 of the CHRNB2 protein (p.Cys5Arg).